The following is an entry in ClinVar:

ClinVar aggregate classification (germline): Uncertain significance. Review status: criteria provided, multiple submitters, no conflicts (2 of 4 stars). 3 submissions from 3 submitters: Uncertain significance (3). Last evaluated 2025-05-01.

Conditions:
Pseudohypoaldosteronism type 2B (PHA2B). Also called: Pseudohypoaldosteronism Type IIB. Identifiers: Orphanet 757, Orphanet 88939, MedGen C1840390, MONDO:0013777, OMIM 614491.

Allele frequency attached by ClinVar (database versions not stated): ExAC 0.00001; gnomAD exomes 0.00001; ESP Exome Variant Server 0.00008; gnomAD 0.00017; TOPMed 0.00024.

Submissions (3):

Rare Kidney Stone Consortium and the Mayo Clinic Hyperoxaluria Center, Mayo Clinic
Classification: Uncertain significance for Pseudohypoaldosteronism type 2B. Last evaluated: 2025-05-01. Review status: criteria provided, single submitter. Criteria: ACMG Guidelines, 2015. Collection method: research. Allele origin: germline.
Comment: ACMG: PM4, BP1

heterozygote

Fulgent Genetics
Classification: Uncertain significance for Pseudohypoaldosteronism type 2B. Last evaluated: 2024-05-15. Review status: criteria provided, single submitter. Criteria: ACMG Guidelines, 2015. Collection method: clinical testing. Allele origin: germline.

Labcorp Genetics (formerly Invitae), Labcorp
Classification: Uncertain significance. Last evaluated: 2022-05-10. Review status: criteria provided, single submitter. Criteria: Invitae Variant Classification Sherloc (09022015). Collection method: clinical testing. Allele origin: germline.
Comment: This sequence change creates a premature translational stop signal (p.Gln694*) in the WNK4 gene. It is expected to result in an absent or disrupted protein product. However, the current clinical and genetic evidence is not sufficient to establish whether loss-of-function variants in WNK4 cause disease. This variant is present in population databases (rs142471423, gnomAD 0.02%). This variant has not been reported in the literature in individuals affected with WNK4-related conditions. Algorithms developed to predict the effect of sequence changes on RNA splicing suggest that this variant may disrupt the consensus splice site. In summary, the available evidence is currently insufficient to determine the role of this variant in disease. Therefore, it has been classified as a Variant of Uncertain Significance.

Literature cited by the submitters: PubMed 34805638 (cited by Rare Kidney Stone Consortium and the Mayo Clinic Hyperoxaluria Center, Mayo Clinic).

NM_032387.5(WNK4):c.2080C>T (p.Gln694Ter)

Gene: WNK4 (WNK lysine deficient protein kinase 4; plus strand). Cytogenetic location: 17q21.2.
Variant type: single nucleotide variant.
Coding change: c.2080C>T on transcript NM_032387.5 (MANE Select); coding-DNA position 2080, C replaced by T.
Protein change: p.Gln694Ter; replaces glutamine 694 with a stop codon.
Molecular consequence: nonsense.
Genome position (GRCh38, 1-based): chr17:42,788,720, C>T. VCF-style: chr17-42788720-C-T. GRCh37 (hg19) VCF-style: chr17-40940738-C-T.
Other names: c.1072C>T, p.Gln358Ter (NM_001321299.2); short protein forms Q694*, Q358*.
Identifiers: ClinVar variation 2075867 (VCV002075867.3), dbSNP rs142471423, ClinGen allele CA8584214.